The following is an entry in ClinVar:

NM_022552.5(DNMT3A):c.495C>T (p.Gly165=)

Gene: DNMT3A (DNA methyltransferase 3 alpha; minus strand). Cytogenetic location: 2p23.3.
Variant type: single nucleotide variant.
Coding change: c.495C>T on transcript NM_022552.5 (MANE Select); coding-DNA position 495, C replaced by T.
Protein change: p.Gly165=; no amino-acid change (glycine 165 retained).
Molecular consequence: synonymous variant. On other transcripts: non-coding transcript variant (1).
Genome position (GRCh38, 1-based): chr2:25,275,085, G>A on the plus strand (C>T on the coding strand, the complement: DNMT3A is on the minus strand). VCF-style: chr2-25275085-G-A. GRCh37 (hg19) VCF-style: chr2-25497954-G-A.
Other names: c.495C>T, p.Gly165= (NM_175629.2).
Identifiers: ClinVar variation 5001918 (VCV005001918.1).

ClinVar aggregate classification (germline): Likely benign (1 of 4 stars; one submission).

Conditions:
DNMT3A-related disorder. Also called: DNMT3A-related disorders; DNMT3A-related condition.

Submission:

PreventionGenetics, part of Exact Sciences
Classification: Likely benign for DNMT3A-related condition. Last evaluated: 2025-05-07. Review status: criteria provided, single submitter. Criteria: ACMG Guidelines, 2015. Collection method: clinical testing. Allele origin: germline.
Comment: This variant is classified as likely benign based on ACMG/AMP sequence variant interpretation guidelines (Richards et al. 2015 PMID: 25741868, with internal and published modifications).